The following is an entry in ClinVar:

NM_139027.6(ADAMTS13):c.1390G>A (p.Gly464Ser)

Gene: ADAMTS13 (ADAM metallopeptidase with thrombospondin type 1 motif 13; plus strand). Cytogenetic location: 9q34.2.
Variant type: single nucleotide variant.
Coding change: c.1390G>A on transcript NM_139027.6 (MANE Select); coding-DNA position 1390, G replaced by A.
Protein change: p.Gly464Ser; replaces glycine 464 with serine.
Molecular consequence: missense variant.
Genome position (GRCh38, 1-based): chr9:133,436,910, G>A. VCF-style: chr9-133436910-G-A. GRCh37 (hg19) VCF-style: chr9-136302030-G-A.
Other names: p.Gly464Ser; c.1390G>A, p.Gly464Ser (NM_139025.5); c.1297G>A, p.Gly433Ser (NM_139026.6); short protein forms G433S, G464S.
Identifiers: ClinVar variation 1981165 (VCV001981165.5), dbSNP rs587768675, ClinGen allele CA200929697.

ClinVar aggregate classification (germline): Conflicting classifications of pathogenicity. Review status: criteria provided, conflicting classifications (1 of 4 stars). 2 submissions from 2 submitters: Uncertain significance (1); Likely benign (1). Last evaluated 2025-10-14.

Allele frequency attached by ClinVar (database versions not stated): gnomAD exomes 0.00006; gnomAD 0.00009; TOPMed 0.00011; 1000 Genomes Project 30x 0.00016; 1000 Genomes Project 0.00020; ExAC 0.00036.

Submissions (2):

Labcorp Genetics (formerly Invitae), Labcorp
Classification: Likely benign. Last evaluated: 2025-10-14. Review status: criteria provided, single submitter. Criteria: Invitae Variant Classification Sherloc (09022015). Collection method: clinical testing. Allele origin: germline.

Mayo Clinic Laboratories, Mayo Clinic
Classification: Uncertain significance. Last evaluated: 2024-01-22. Review status: criteria provided, single submitter. Criteria: ACMG Guidelines, 2015. Collection method: clinical testing. Allele origin: germline. Observed: 2 variant alleles.
Comment: BP4, PM1_supporting